The following is an entry in ClinVar:

ClinVar aggregate classification (germline): Uncertain significance (1 of 4 stars; one submission).

Conditions:
Charcot-Marie-Tooth disease type 2. Also called: Charcot-Marie-Tooth type 2. Identifiers: Orphanet 64746, MedGen C0270914, MONDO:0018993.

Submission:

Labcorp Genetics (formerly Invitae), Labcorp
Classification: Uncertain significance for Charcot-Marie-Tooth disease type 2. Last evaluated: 2021-05-13. Review status: criteria provided, single submitter. Criteria: Invitae Variant Classification Sherloc (09022015). Collection method: clinical testing. Allele origin: germline.
Comment: This variant has not been reported in the literature in individuals with MED25-related conditions. Experimental studies and prediction algorithms are not available or were not evaluated, and the functional significance of this variant is currently unknown. In summary, the available evidence is currently insufficient to determine the role of this variant in disease. Therefore, it has been classified as a Variant of Uncertain Significance. This variant is not present in population databases (ExAC no frequency). This variant, c.1655_1663del, results in the deletion of 3 amino acid(s) of the MED25 protein (p.Leu552_Gln554del), but otherwise preserves the integrity of the reading frame.

NM_030973.4(MED25):c.1655_1663del (p.Leu552_Gln554del)

Gene: MED25 (mediator complex subunit 25; plus strand). Cytogenetic location: 19q13.33.
Variant type: Deletion.
Coding change: c.1655_1663del on transcript NM_030973.4 (MANE Select); coding-DNA positions 1655 to 1663, 9 bases deleted (TGGAGCAGC; older notation c.1655_1663delTGGAGCAGC).
Protein change: p.Leu552_Gln554del.
Molecular consequence: inframe deletion.
Genome position (GRCh38, 1-based): chr19:49,835,158-49,835,166, TGGAGCAGC deleted; deleting any 9 consecutive bases within chr19:49,835,155-49,835,166 gives the same sequence; the c. name uses the placement nearest the transcript's 3' end. VCF-style (leftmost placement, unchanged base first): chr19-49835154-AAGCTGGAGC-A. GRCh37 (hg19) VCF-style: chr19-50338411-AAGCTGGAGC-A.
Other names: c.1655_1663del, p.Leu552_Gln554del (NM_001378355.1).
Identifiers: ClinVar variation 1353434 (VCV001353434.8), dbSNP rs2123887022, ClinGen allele CA2573156609.